The following is an entry in ClinVar:

ClinVar aggregate classification (germline): Uncertain significance (1 of 4 stars; one submission).

Submission:

Labcorp Genetics (formerly Invitae), Labcorp
Classification: Uncertain significance. Last evaluated: 2023-01-14. Review status: criteria provided, single submitter. Criteria: Invitae Variant Classification Sherloc (09022015). Collection method: clinical testing. Allele origin: germline.
Comment: This variant has not been reported in the literature in individuals affected with POLE-related conditions. This variant is not present in population databases (gnomAD no frequency). This sequence change replaces glutamine, which is neutral and polar, with lysine, which is basic and polar, at codon 1984 of the POLE protein (p.Gln1984Lys). Advanced modeling of protein sequence and biophysical properties (such as structural, functional, and spatial information, amino acid conservation, physicochemical variation, residue mobility, and thermodynamic stability) performed at Invitae indicates that this missense variant is not expected to disrupt POLE protein function. In summary, the available evidence is currently insufficient to determine the role of this variant in disease. Therefore, it has been classified as a Variant of Uncertain Significance.

NM_006231.4(POLE):c.5950C>A (p.Gln1984Lys)

Gene: POLE (DNA polymerase epsilon, catalytic subunit; minus strand). Cytogenetic location: 12q24.33.
Variant type: single nucleotide variant.
Coding change: c.5950C>A on transcript NM_006231.4 (MANE Select); coding-DNA position 5950, C replaced by A.
Protein change: p.Gln1984Lys; replaces glutamine 1984 with lysine.
Molecular consequence: missense variant.
Genome position (GRCh38, 1-based): chr12:132,634,240, G>T on the plus strand (C>A on the coding strand, the complement: POLE is on the minus strand). VCF-style: chr12-132634240-G-T. GRCh37 (hg19) VCF-style: chr12-133210826-G-T.
Other names: short protein forms Q1984K.
Identifiers: ClinVar variation 2828581 (VCV002828581.3), dbSNP rs1174471791, ClinGen allele CA387371523.